The following is an entry in ClinVar:

ClinVar aggregate classification (germline): Uncertain significance (1 of 4 stars; one submission).

Conditions:
FG syndrome (FGS). Identifiers: MedGen C0220769, MONDO:0002010.

Submission:

Labcorp Genetics (formerly Invitae), Labcorp
Classification: Uncertain significance for FG syndrome. Last evaluated: 2025-07-06. Review status: criteria provided, single submitter. Criteria: Invitae Variant Classification Sherloc (09022015). Collection method: clinical testing. Allele origin: germline.
Comment: This variant, c.6291_6314dup, results in the insertion of 8 amino acid(s) of the MED12 protein (p.Gln2108_Gln2115dup), but otherwise preserves the integrity of the reading frame. This variant is not present in population databases (gnomAD no frequency). This variant has not been reported in the literature in individuals affected with MED12-related conditions. In summary, the available evidence is currently insufficient to determine the role of this variant in disease. Therefore, it has been classified as a Variant of Uncertain Significance.

NM_005120.3(MED12):c.6291_6314dup (p.Gln2115_His2116insGlnGlnGlnGlnGlnGlnGlnGln)

Gene: MED12 (mediator complex subunit 12; plus strand). Cytogenetic location: Xq13.1.
Variant type: Duplication.
Coding change: c.6291_6314dup on transcript NM_005120.3 (MANE Select); coding-DNA positions 6291 to 6314, 24 bases duplicated (GCAGCAGCAGCAGCAGCAACAGCA).
Protein change: p.Gln2115_His2116insGlnGlnGlnGlnGlnGlnGlnGln.
Molecular consequence: inframe insertion.
Genome position (GRCh38, 1-based): chrX:71,141,253-71,141,276, GCAGCAGCAGCAGCAGCAACAGCA duplicated; duplicating any 24 consecutive bases within chrX:71,141,242-71,141,276 gives the same sequence; the c. name uses the placement nearest the transcript's 3' end. VCF-style (leftmost placement, unchanged base first): chrX-71141241-A-ACAGCAACAGCAGCAGCAGCAGCAG. GRCh37 (hg19) VCF-style: chrX-70361091-A-ACAGCAACAGCAGCAGCAGCAGCAG.
Identifiers: ClinVar variation 4798942 (VCV004798942.1).